The following is an entry in ClinVar:

NM_001199397.3(NEK1):c.3222+1G>A

Gene: NEK1 (NIMA related kinase 1; minus strand). Cytogenetic location: 4q33.
Variant type: single nucleotide variant.
Coding change: c.3222+1G>A on transcript NM_001199397.3 (MANE Select); the canonical splice donor site of the intron after coding-DNA position 3222, G replaced by A.
Molecular consequence: splice donor variant.
Genome position (GRCh38, 1-based): chr4:169,424,552, C>T on the plus strand (G>A on the coding strand, the complement: NEK1 is on the minus strand). VCF-style: chr4-169424552-C-T. GRCh37 (hg19) VCF-style: chr4-170345703-C-T.
Other names: c.2385+1G>A (NM_001440625.1); c.2517+1G>A (NM_001440624.1); c.2739+1G>A (NM_001374421.1); c.3087+1G>A (NM_001374420.1); c.2931+1G>A (NM_001199399.3); c.2829+1G>A (NM_001440623.1); c.2913+1G>A (NM_001440622.1); c.3090+1G>A (NM_001199398.3); and 5 more.
Identifiers: ClinVar variation 4890696 (VCV004890696.1).
Genomic context (GRCh38, chr4:169,424,552, plus strand): 5'-AGAAAAACAATAATACATGTTATCGAATGGATAATATTTTCCACTTGAGGACCATACTTG[C>T]CTTTGGGTTGTTTGCATCAAACAGACCAGTTGAAAGTCCAATCAGCAAGGAATTCTTGTT-3'

ClinVar aggregate classification (germline): Likely pathogenic (1 of 4 stars; one submission).

Conditions:
Amyotrophic lateral sclerosis, susceptibility to, 24. Identifiers: MedGen C4693523, MONDO:0054750, OMIM 617892.

gnomAD v4.1: 1 of 1,585,736 alleles (0.000063%); highest among the groups gnomAD compares: East Asian, 0.0023%; no homozygotes.

Submission:

Institute of Human Genetics, University of Leipzig Medical Center
Classification: Likely pathogenic for Amyotrophic lateral sclerosis, susceptibility to, 24. Last evaluated: 2026-07-29. Review status: criteria provided, single submitter. Criteria: ACMG Guidelines, 2015. Collection method: clinical testing. Allele origin: unknown. Inheritance: Autosomal dominant inheritance. Affected: yes.
Comment: Criteria applied: PVS1,PM2_SUP